The following is an entry in ClinVar:

NM_001943.5(DSG2):c.885G>A (p.Val295=)

Gene: DSG2 (desmoglein 2; plus strand). Cytogenetic location: 18q12.1.
Variant type: single nucleotide variant.
Coding change: c.885G>A on transcript NM_001943.5 (MANE Select); coding-DNA position 885, G replaced by A.
Protein change: p.Val295=; no amino-acid change (valine 295 retained).
Molecular consequence: synonymous variant.
Genome position (GRCh38, 1-based): chr18:31,524,759, G>A. VCF-style: chr18-31524759-G-A. GRCh37 (hg19) VCF-style: chr18-29104722-G-A.
Other names: c.885G>A (LRG_397t1).
Identifiers: ClinVar variation 513209 (VCV000513209.11), dbSNP rs534674777, ClinGen allele CA503599266.
Genomic context (GRCh38, chr18:31,524,759, plus strand): 5'-GCAGCTTGAAGGGATGGTTGAAGAAAATCAAGTCAACGTAGAAGTTACGCGCATAAAAGT[G>A]TTCGATGCAGATGAAATAGGTTCTGATAATTGGCTGGCAAATTTTACATTTGCATCAGGA-3'
Protein context (NP_001934.2, residues 285-305): QVNVEVTRIK[Val295=]FDADEIGSDN

ClinVar aggregate classification (germline): Likely benign. Review status: criteria provided, multiple submitters, no conflicts (2 of 4 stars). 4 submissions from 4 submitters: Likely benign (4). Last evaluated 2023-10-23.

Conditions:
Cardiovascular phenotype. Identifiers: MedGen CN230736.
Arrhythmogenic right ventricular cardiomyopathy (ARVD). Also called: Arrhythmogenic cardiomyopathy; Arrhythmogenic Right Ventricular Cardiomyopathy (ARVC); Cardiomyopathy, ARVC; Arrhythmogenic right ventricular dysplasia. Identifiers: Orphanet 247, MedGen C0349788, MeSH D019571, MONDO:0016587. Disease mechanism: loss of function. Inheritance: Various modes of inheritance.
Arrhythmogenic right ventricular dysplasia 10. Also called: Arrhythmogenic right ventricular dysplasia/cardiomyopathy, type 10; Arrhythmogenic Right Ventricular Dysplasia/Cardiomyopathy10; ARRHYTHMOGENIC RIGHT VENTRICULAR DYSPLASIA, FAMILIAL, 10. Identifiers: MedGen C1857777, MONDO:0012434, OMIM 610193.

Submissions (4):

All of Us Research Program, National Institutes of Health
Classification: Likely benign for Arrhythmogenic right ventricular cardiomyopathy. Last evaluated: 2023-10-23. Review status: criteria provided, single submitter. Criteria: ACMG Guidelines, 2015. Collection method: clinical testing. Allele origin: germline. Inheritance: Autosomal dominant inheritance. Observed: 1 variant allele, 1 heterozygote.
Comment: This study involves interpretation of variants in research participants for the purpose of population health screening. Participant phenotype was not available at the time of variant classification. Additional details can be found in publication PMID: 35346344, PMCID: PMC8962531

Ambry Genetics
Classification: Likely benign for Cardiovascular phenotype. Last evaluated: 2023-08-07. Review status: criteria provided, single submitter. Criteria: Ambry Variant Classification Scheme 2023. Collection method: clinical testing. Allele origin: germline.

Labcorp Genetics (formerly Invitae), Labcorp
Classification: Likely benign for Arrhythmogenic right ventricular dysplasia 10. Last evaluated: 2021-07-21. Review status: criteria provided, single submitter. Criteria: Invitae Variant Classification Sherloc (09022015). Collection method: clinical testing. Allele origin: germline.

GeneDx
Classification: Likely benign. Last evaluated: 2017-11-09. Review status: criteria provided, single submitter. Criteria: GeneDx Variant Classification (06012015). Collection method: clinical testing. Allele origin: germline. Affected: yes.
Comment: This variant is considered likely benign or benign based on one or more of the following criteria: it is a conservative change, it occurs at a poorly conserved position in the protein, it is predicted to be benign by multiple in silico algorithms, and/or has population frequency not consistent with disease.